The following is an entry in ClinVar:

NM_001458.5(FLNC):c.1522dup (p.Glu508fs)

Gene: FLNC (filamin C; plus strand). Cytogenetic location: 7q32.1.
Variant type: Duplication.
Coding change: c.1522dup on transcript NM_001458.5 (MANE Select); coding-DNA position 1522, one base duplicated (G; older notation c.1522dupG).
Protein change: p.Glu508fs; shifts the reading frame from glutamic acid 508.
Molecular consequence: frameshift variant.
Genome position (GRCh38, 1-based): chr7:128,840,133, G duplicated; the last of 4 consecutive G bases (chr7:128,840,130-128,840,133); duplicating any one gives the same sequence. VCF-style (leftmost placement, unchanged base first): chr7-128840129-C-CG. GRCh37 (hg19) VCF-style: chr7-128480183-C-CG.
Other names: c.1522dup, p.Glu508fs (NM_001127487.2); c.1522dupG (NM_001458.4); short protein forms E508fs.
Identifiers: ClinVar variation 4258275 (VCV004258275.1).

ClinVar aggregate classification (germline): Pathogenic (1 of 4 stars; one submission).

Conditions:
Cardiovascular phenotype. Identifiers: MedGen CN230736.

Submission:

Ambry Genetics
Classification: Pathogenic for Cardiovascular phenotype. Last evaluated: 2025-07-24. Review status: criteria provided, single submitter. Criteria: Ambry Variant Classification Scheme 2023. Collection method: clinical testing. Allele origin: germline.
Comment: The c.1522dupG pathogenic mutation, located in coding exon 9 of the FLNC gene, results from a duplication of G at nucleotide position 1522, causing a translational frameshift with a predicted alternate stop codon (p.E508Gfs*55). This variant is considered to be rare based on population cohorts in the Genome Aggregation Database (gnomAD). This alteration is expected to result in loss of function by premature protein truncation or nonsense-mediated mRNA decay. As such, this alteration is interpreted as a disease-causing mutation for FLNC-related dilated cardiomyopathy; however, its clinical significance for FLNC-related hypertrophic/restrictive cardiomyopathy and/or skeletal myopathy is uncertain.